The following is an entry in ClinVar:

ClinVar aggregate classification (germline): Uncertain significance. Review status: criteria provided, multiple submitters, no conflicts (2 of 4 stars). 3 submissions from 3 submitters: Uncertain significance (3). Last evaluated 2026-08-19.

Conditions:
Arrhythmogenic cardiomyopathy with wooly hair and keratoderma. Also called: PALMOPLANTAR KERATODERMA WITH LEFT VENTRICULAR CARDIOMYOPATHY AND WOOLLY HAIR; Carvajal syndrome; Dilated cardiomyopathy with woolly hair and keratoderma; Arrhythmogenic cardiomyopathy with woolly hair and keratoderma. Identifiers: Orphanet 65282, MedGen C1854063, MONDO:0011581, OMIM 605676.
Cardiovascular phenotype. Identifiers: MedGen CN230736.
Arrhythmogenic right ventricular dysplasia 8 (ARVD8). Also called: Arrhythmogenic Right Ventricular Dysplasia/Cardiomyopathy 8; ARRHYTHMOGENIC RIGHT VENTRICULAR DYSPLASIA, FAMILIAL, 8; ARRHYTHMOGENIC RIGHT VENTRICULAR CARDIOMYOPATHY 8. Identifiers: MedGen C1843896, MONDO:0011831, OMIM 607450.

Submissions (3):

Ambry Genetics
Classification: Uncertain significance for Cardiovascular phenotype. Last evaluated: 2026-08-19. Review status: criteria provided, single submitter. Criteria: Ambry Variant Classification Scheme 2023. Collection method: clinical testing. Allele origin: germline.
Comment: The p.D2060V variant (also known as c.6179A>T), located in coding exon 24 of the DSP gene, results from an A to T substitution at nucleotide position 6179. The aspartic acid at codon 2060 is replaced by valine, an amino acid with highly dissimilar properties. This amino acid position is conserved. In addition, this alteration is predicted to be deleterious by in silico analysis. Based on the available evidence, the clinical significance of this variant remains unclear.

Labcorp Genetics (formerly Invitae), Labcorp
Classification: Uncertain significance for Arrhythmogenic cardiomyopathy with wooly hair and keratoderma; Arrhythmogenic right ventricular dysplasia 8. Last evaluated: 2025-12-09. Review status: criteria provided, single submitter. Criteria: Invitae Variant Classification Sherloc (09022015). Collection method: clinical testing. Allele origin: germline.
Comment: This sequence change replaces aspartic acid, which is acidic and polar, with valine, which is neutral and non-polar, at codon 2060 of the DSP protein (p.Asp2060Val). This variant is not present in population databases (gnomAD no frequency). This variant has not been reported in the literature in individuals affected with DSP-related conditions. ClinVar contains an entry for this variant (Variation ID: 1922172). An algorithm developed to predict the effect of missense changes on protein structure and function (PolyPhen-2) suggests that this variant is likely to be disruptive. In summary, the available evidence is currently insufficient to determine the role of this variant in disease. Therefore, it has been classified as a Variant of Uncertain Significance.

All of Us Research Program, National Institutes of Health
Classification: Uncertain significance for Arrhythmogenic cardiomyopathy with wooly hair and keratoderma. Last evaluated: 2023-08-15. Review status: criteria provided, single submitter. Criteria: ACMG Guidelines, 2015. Collection method: clinical testing. Allele origin: germline. Inheritance: Autosomal dominant inheritance. Observed: 1 variant allele, 1 heterozygote.
Comment: This missense variant replaces aspartic acid with valine at codon 2060 of the DSP protein. Computational prediction suggests that this variant may have deleterious impact on protein structure and function (internally defined REVEL score threshold >= 0.7, PMID: 27666373). To our knowledge, functional studies have not been reported for this variant. This variant has not been reported in individuals affected with DSP-related disorders in the literature. This variant has not been identified in the general population by the Genome Aggregation Database (gnomAD). The available evidence is insufficient to determine the role of this variant in disease conclusively. Therefore, this variant is classified as a Variant of Uncertain Significance.

This study involves interpretation of variants in research participants for the purpose of population health screening. Participant phenotype was not available at the time of variant classification. Additional details can be found in publication PMID: 35346344, PMCID: PMC8962531

NM_004415.4(DSP):c.6179A>T (p.Asp2060Val)

Gene: DSP (desmoplakin; plus strand). Cytogenetic location: 6p24.3.
Variant type: single nucleotide variant.
Coding change: c.6179A>T on transcript NM_004415.4 (MANE Select); coding-DNA position 6179, A replaced by T.
Protein change: p.Asp2060Val; replaces aspartic acid 2060 with valine.
Molecular consequence: missense variant.
Genome position (GRCh38, 1-based): chr6:7,583,441, A>T. VCF-style: chr6-7583441-A-T. GRCh37 (hg19) VCF-style: chr6-7583674-A-T.
Other names: c.4382A>T, p.Asp1461Val (NM_001008844.3); c.4850A>T, p.Asp1617Val (NM_001319034.2); short protein forms D1461V, D2060V, D1617V.
Identifiers: ClinVar variation 1922172 (VCV001922172.7), dbSNP rs794728129, ClinGen allele CA362690248.